The following is an entry in ClinVar:

ClinVar aggregate classification (germline): Benign/Likely benign. Review status: criteria provided, multiple submitters, no conflicts (2 of 4 stars). 18 submissions from 17 submitters: Benign (10); Likely benign (4). 4 of the submissions do not count toward it. Last evaluated 2026-02-03.

Conditions:
Myofibrillar myopathy 6. Identifiers: Orphanet 199340, MedGen C2751831, MONDO:0013061, OMIM 612954.
Dilated cardiomyopathy 1HH (CMD1HH). Identifiers: Orphanet 154, MedGen C3151293, MONDO:0013479, OMIM 613881.

Allele frequency attached by ClinVar (database versions not stated): gnomAD exomes 0.00047 and 0.00120; ExAC 0.00143; gnomAD 0.00423 and 0.00441; ESP Exome Variant Server 0.00454; TOPMed 0.00465; 1000 Genomes Project 0.00599; 1000 Genomes Project 30x 0.00718.
gnomAD v4.1: 1,377 of 1,614,182 alleles (0.085%); highest among the groups gnomAD compares: African/African-American, 1.5%; 8 homozygotes.

Submissions (18):

Labcorp Genetics (formerly Invitae), Labcorp
Classification: Benign for Dilated cardiomyopathy 1HH; Myofibrillar myopathy 6. Last evaluated: 2026-02-03. Review status: criteria provided, single submitter. Criteria: Invitae Variant Classification Sherloc (09022015). Collection method: clinical testing. Allele origin: germline.

Molecular Diagnostic Laboratory for Inherited Cardiovascular Disease, Montreal Heart Institute
Classification: Benign. Last evaluated: 2025-04-09. Review status: criteria provided, single submitter. Criteria: ACMG Guidelines, 2015. Collection method: clinical testing. Allele origin: germline. Affected: no.

Blueprint Genetics
Classification: Likely benign. Last evaluated: 2024-11-26. Review status: criteria provided, single submitter. Criteria: ACMG Guidelines, 2015. Collection method: clinical testing. Allele origin: germline.

CeGaT Center for Human Genetics Tuebingen
Classification: Benign. Last evaluated: 2024-05-01. Review status: criteria provided, single submitter. Criteria: CeGaT Center For Human Genetics Tuebingen Variant Classification Criteria Version 2. Collection method: clinical testing. Allele origin: germline. Affected: yes. Observed: 3 variant alleles.
Comment: BAG3: BP4, BP7, BS1, BS2

ARUP Laboratories, Molecular Genetics and Genomics, ARUP Laboratories
Classification: Benign. Last evaluated: 2024-02-14. Review status: criteria provided, single submitter. Criteria: ARUP Molecular Germline Variant Investigation Process 2024. Collection method: clinical testing. Allele origin: germline.

Fulgent Genetics
Classification: Likely benign for Myofibrillar myopathy 6; Dilated cardiomyopathy 1HH. Last evaluated: 2021-09-15. Review status: criteria provided, single submitter. Criteria: ACMG Guidelines, 2015. Collection method: clinical testing. Allele origin: unknown.

Women's Health and Genetics/Laboratory Corporation of America, LabCorp
Classification: Benign. Last evaluated: 2019-12-09. Review status: criteria provided, single submitter. Criteria: LabCorp Variant Classification Summary - May 2015. Collection method: clinical testing. Allele origin: germline.

Mayo Clinic Laboratories, Mayo Clinic
Classification: Benign. Last evaluated: 2019-07-25. Review status: criteria provided, single submitter. Criteria: ACMG Guidelines, 2015. Collection method: clinical testing. Allele origin: germline. Observed: 7 variant alleles.

Illumina Laboratory Services, Illumina
Classification: Likely benign for Dilated cardiomyopathy 1HH. Last evaluated: 2018-01-12. Review status: criteria provided, single submitter. Criteria: ICSL Variant Classification Criteria 13 December 2019. Collection method: clinical testing. Allele origin: germline.
Comment: This variant was observed in the ICSL laboratory as part of a predisposition screen in an ostensibly healthy population. It had not been previously curated by ICSL or reported in the Human Gene Mutation Database (HGMD: prior to June 1st, 2018), and was therefore a candidate for classification through an automated scoring system. Utilizing variant allele frequency, disease prevalence and penetrance estimates, and inheritance mode, an automated score was calculated to assess if this variant is too frequent to cause the disease. Based on the score and internal cut-off values, a variant classified as likely benign is not then subjected to further curation. The score for this variant resulted in a classification of likely benign for this disease.

Illumina Laboratory Services, Illumina
Classification: Benign for Myofibrillar myopathy 6. Last evaluated: 2018-01-12. Review status: criteria provided, single submitter. Criteria: ICSL Variant Classification Criteria 13 December 2019. Collection method: clinical testing. Allele origin: germline.
Comment: This variant was observed in the ICSL laboratory as part of a predisposition screen in an ostensibly healthy population. It had not been previously curated by ICSL or reported in the Human Gene Mutation Database (HGMD: prior to June 1st, 2018), and was therefore a candidate for classification through an automated scoring system. Utilizing variant allele frequency, disease prevalence and penetrance estimates, and inheritance mode, an automated score was calculated to assess if this variant is too frequent to cause the disease. Based on the score and internal cut-off values, a variant classified as benign is not then subjected to further curation. The score for this variant resulted in a classification of benign for this disease.

GeneDx
Classification: Benign. Last evaluated: 2015-08-14. Review status: criteria provided, single submitter. Criteria: GeneDx Variant Classification (06012015). Collection method: clinical testing. Allele origin: germline. Affected: yes.
Comment: This variant is considered likely benign or benign based on one or more of the following criteria: it is a conservative change, it occurs at a poorly conserved position in the protein, it is predicted to be benign by multiple in silico algorithms, and/or has population frequency not consistent with disease.

Laboratory for Molecular Medicine, Mass General Brigham Personalized Medicine
Classification: Benign. Last evaluated: 2012-03-19. Review status: criteria provided, single submitter. Criteria: LMM Criteria. Collection method: clinical testing. Allele origin: germline. Observed: 5 variant alleles.
Comment: p.Pro77Pro in Exon 02 of BAG3: This variant is not expected to have clinical sig nificance because it does not alter an amino acid residue, is not located within the splice consensus sequence and has been identified in 1.3% (48/3738) of Afri can American chromosomes from a broad population by the NHLBI Exome Sequencing P roject (dbSNP rs143752613).

Breakthrough Genomics
Classification: Likely benign. Review status: criteria provided, single submitter. Criteria: ACMG Guidelines, 2015. Collection method: not provided. Allele origin: germline. Inheritance: Autosomal dominant inheritance. Affected: yes.

PreventionGenetics, part of Exact Sciences
Classification: Benign. Review status: criteria provided, single submitter. Criteria: ACMG Guidelines, 2015. Collection method: clinical testing. Allele origin: germline.

Clinical Genetics DNA and cytogenetics Diagnostics Lab, Erasmus MC, Erasmus Medical Center
Classification: Benign. Review status: no assertion criteria provided. Collection method: clinical testing. Allele origin: germline. Affected: yes. Study: VKGL Data-share Consensus. Not counted in ClinVar's aggregate classification.

Clinical Genetics, Academic Medical Center
Classification: Benign. Review status: no assertion criteria provided. Collection method: clinical testing. Allele origin: germline. Affected: yes. Study: VKGL Data-share Consensus. Not counted in ClinVar's aggregate classification.

Diagnostic Laboratory, Department of Genetics, University Medical Center Groningen
Classification: Likely benign. Review status: no assertion criteria provided. Collection method: clinical testing. Allele origin: germline. Affected: yes. Study: VKGL Data-share Consensus. Not counted in ClinVar's aggregate classification.

Joint Genome Diagnostic Labs from Nijmegen and Maastricht, Radboudumc and MUMC+
Classification: Likely benign. Review status: no assertion criteria provided. Collection method: clinical testing. Allele origin: germline. Affected: yes. Study: VKGL Data-share Consensus. Not counted in ClinVar's aggregate classification.

NM_004281.4(BAG3):c.231G>A (p.Pro77=)

Gene: BAG3 (BAG cochaperone 3; plus strand). Cytogenetic location: 10q26.11.
Variant type: single nucleotide variant.
Coding change: c.231G>A on transcript NM_004281.4 (MANE Select); coding-DNA position 231, G replaced by A.
Protein change: p.Pro77=; no amino-acid change (proline 77 retained).
Molecular consequence: synonymous variant.
Genome position (GRCh38, 1-based): chr10:119,669,901, G>A. VCF-style: chr10-119669901-G-A. GRCh37 (hg19) VCF-style: chr10-121429413-G-A.
Other names: p.Pro77=.
Identifiers: ClinVar variation 44781 (VCV000044781.73), dbSNP rs143752613, ClinGen allele CA135019.